The following is an entry in ClinVar:

NM_025099.6(CTC1):c.1479A>G (p.Gln493=)

Gene: CTC1 (CST telomere replication complex component 1; minus strand). Cytogenetic location: 17p13.1.
Variant type: single nucleotide variant.
Coding change: c.1479A>G on transcript NM_025099.6 (MANE Select); coding-DNA position 1479, A replaced by G.
Protein change: p.Gln493=; no amino-acid change (glutamine 493 retained).
Molecular consequence: synonymous variant. On other transcripts: non-coding transcript variant (1).
Genome position (GRCh38, 1-based): chr17:8,234,887, T>C on the plus strand (A>G on the coding strand, the complement: CTC1 is on the minus strand). VCF-style: chr17-8234887-T-C. GRCh37 (hg19) VCF-style: chr17-8138205-T-C.
Identifiers: ClinVar variation 1087695 (VCV001087695.39), dbSNP rs188654013, ClinGen allele CA8372334.

ClinVar aggregate classification (germline): Likely benign. Review status: criteria provided, multiple submitters, no conflicts (2 of 4 stars). 7 submissions from 7 submitters: Likely benign (7). Last evaluated 2026-01-07.

Conditions:
CTC1-related disorder. Also called: CTC1-related condition.
Dyskeratosis congenita. Identifiers: Orphanet 1775, MedGen C0265965, MONDO:0015780.
Cerebroretinal microangiopathy with calcifications and cysts 1 (CRMCC1). Identifiers: Orphanet 313838, MedGen C4552029, MONDO:0024564, OMIM 612199.

Allele frequency attached by ClinVar (database versions not stated): ExAC 0.00007; ESP Exome Variant Server 0.00008; gnomAD exomes 0.00008; gnomAD 0.00018 and 0.00022; TOPMed 0.00018; 1000 Genomes Project 30x 0.00031; 1000 Genomes Project 0.00040.
gnomAD v4.1: 90 of 1,610,078 alleles (0.0056%); highest among the groups gnomAD compares: African/African-American, 0.085%; 1 homozygote.

Submissions (7):

Labcorp Genetics (formerly Invitae), Labcorp
Classification: Likely benign for Dyskeratosis congenita. Last evaluated: 2026-01-07. Review status: criteria provided, single submitter. Criteria: Invitae Variant Classification Sherloc (09022015). Collection method: clinical testing. Allele origin: germline.

PreventionGenetics, part of Exact Sciences
Classification: Likely benign for CTC1-related condition. Last evaluated: 2025-09-03. Review status: criteria provided, single submitter. Criteria: ACMG Guidelines, 2015. Collection method: clinical testing. Allele origin: germline.
Comment: This variant is classified as likely benign based on ACMG/AMP sequence variant interpretation guidelines (Richards et al. 2015 PMID: 25741868, with internal and published modifications).

CeGaT Center for Human Genetics Tuebingen
Classification: Likely benign. Last evaluated: 2025-01-01. Review status: criteria provided, single submitter. Criteria: CeGaT Center For Human Genetics Tuebingen Variant Classification Criteria Version 2. Collection method: clinical testing. Allele origin: germline. Affected: yes. Observed: 2 variant alleles.
Comment: CTC1: BP4, BP7

ARUP Laboratories, Molecular Genetics and Genomics, ARUP Laboratories
Classification: Likely benign for Cerebroretinal microangiopathy with calcifications and cysts 1. Last evaluated: 2024-10-17. Review status: criteria provided, single submitter. Criteria: ARUP Molecular Germline Variant Investigation Process 2024. Collection method: clinical testing. Allele origin: germline.

Blueprint Genetics
Classification: Likely benign. Last evaluated: 2024-07-01. Review status: criteria provided, single submitter. Criteria: ACMG Guidelines, 2015. Collection method: clinical testing. Allele origin: germline.

Sema4
Classification: Likely benign for Dyskeratosis congenita. Last evaluated: 2022-03-17. Review status: criteria provided, single submitter. Criteria: Sema4 Curation Guidelines. Collection method: curation. Allele origin: germline.

Genetic Services Laboratory, University of Chicago
Classification: Likely benign. Last evaluated: 2021-02-08. Review status: criteria provided, single submitter. Criteria: ACMG Guidelines, 2015. Collection method: clinical testing. Allele origin: germline. Affected: no.